The following is an entry in ClinVar:

NM_001267550.2(TTN):c.25150A>C (p.Asn8384His)

Gene: TTN (titin; minus strand). Cytogenetic location: 2q31.2.
Variant type: single nucleotide variant.
Coding change: c.25150A>C on transcript NM_001267550.2 (MANE Select); coding-DNA position 25150, A replaced by C.
Protein change: p.Asn8384His; replaces asparagine 8384 with histidine.
Molecular consequence: missense variant. On other transcripts: intron variant (3).
Genome position (GRCh38, 1-based): chr2:178,717,724, T>G on the plus strand (A>C on the coding strand, the complement: TTN is on the minus strand). VCF-style: chr2-178717724-T-G. GRCh37 (hg19) VCF-style: chr2-179582451-T-G.
Other names: c.24199A>C, p.Asn8067His (NM_001256850.1); c.21418A>C, p.Asn7140His (NM_133378.4); c.13282+20358A>C (NM_003319.4); c.13858+20358A>C (NM_133437.4); c.13657+20358A>C (NM_133432.3); short protein forms N7140H, N8067H, N8384H.
Identifiers: ClinVar variation 2651680 (VCV002651680.24), dbSNP rs2529221186, ClinGen allele CA349488724.
Genomic context (GRCh38, chr2:178,717,724, plus strand): 5'-CATCATCTTTCAAAAGAACCCCATCCTTGTACCAAGACACTTGAAGAGGTTCTGAGCCAT[T>G]GATGCGGCATTCAAATGCAACTGGGAAGCCTAGAGTCTCATGAACGTCTTTCAGTTTTCT-3'
Protein context (NP_001254479.2, residues 8374-8394): GFPVAFECRI[Asn8384His]GSEPLQVSWY

ClinVar aggregate classification (germline): Uncertain significance (1 of 4 stars; one submission).

Allele frequency attached by ClinVar (database versions not stated): gnomAD exomes 0.00001.
gnomAD v4.1: 3 of 1,613,396 alleles (0.00019%); highest among the groups gnomAD compares: Non-Finnish European, 0.00025%; no homozygotes.

Submission:

CeGaT Center for Human Genetics Tuebingen
Classification: Uncertain significance. Last evaluated: 2022-04-01. Review status: criteria provided, single submitter. Criteria: CeGaT Center For Human Genetics Tuebingen Variant Classification Criteria Version 2. Collection method: clinical testing. Allele origin: germline. Affected: yes. Observed: 1 variant allele.
Comment: TTN: PM2, BP1